The following is an entry in ClinVar:

ClinVar aggregate classification (germline): Uncertain significance (1 of 4 stars; one submission).

Conditions:
Oculodentodigital dysplasia, autosomal recessive. Also called: OCULODENTOOSSEOUS DYSPLASIA, AUTOSOMAL RECESSIVE; ODDD, AUTOSOMAL RECESSIVE; ODOD, AUTOSOMAL RECESSIVE. Identifiers: Orphanet 2710, MedGen C2749477, MONDO:0009768, OMIM 257850.

Submission:

Labcorp Genetics (formerly Invitae), Labcorp
Classification: Uncertain significance for Oculodentodigital dysplasia, autosomal recessive. Last evaluated: 2025-11-15. Review status: criteria provided, single submitter. Criteria: Invitae Variant Classification Sherloc (09022015). Collection method: clinical testing. Allele origin: germline.
Comment: This sequence change replaces valine, which is neutral and non-polar, with methionine, which is neutral and non-polar, at codon 99 of the GJA1 protein (p.Val99Met). This variant is not present in population databases (gnomAD no frequency). This variant has not been reported in the literature in individuals affected with GJA1-related conditions. Invitae Evidence Modeling of protein sequence and biophysical properties (such as structural, functional, and spatial information, amino acid conservation, physicochemical variation, residue mobility, and thermodynamic stability) has been performed for this missense variant. However, the output from this modeling did not meet the statistical confidence thresholds required to predict the impact of this variant on GJA1 protein function. In summary, the available evidence is currently insufficient to determine the role of this variant in disease. Therefore, it has been classified as a Variant of Uncertain Significance.

NM_000165.5(GJA1):c.295G>A (p.Val99Met)

Gene: GJA1 (gap junction protein alpha 1; plus strand). Cytogenetic location: 6q22.31.
Variant type: single nucleotide variant.
Coding change: c.295G>A on transcript NM_000165.5 (MANE Select); coding-DNA position 295, G replaced by A.
Protein change: p.Val99Met; replaces valine 99 with methionine.
Molecular consequence: missense variant.
Genome position (GRCh38, 1-based): chr6:121,447,142, G>A. VCF-style: chr6-121447142-G-A. GRCh37 (hg19) VCF-style: chr6-121768288-G-A.
Other names: short protein forms V99M.
Identifiers: ClinVar variation 4709726 (VCV004709726.1).
Genomic context (GRCh38, chr6:121,447,142, plus strand): 5'-GTCCTGCAGATCATATTTGTGTCTGTACCCACACTCTTGTACCTGGCTCATGTGTTCTAT[G>A]TGATGCGAAAGGAAGAGAAACTGAACAAGAAAGAGGAAGAACTCAAGGTTGCCCAAACTG-3'
Protein context (NP_000156.1, residues 89-109): TLLYLAHVFY[Val99Met]MRKEEKLNKK